The following is an entry in ClinVar:

NM_016203.4(PRKAG2):c.868A>G (p.Lys290Glu)

Gene: PRKAG2 (protein kinase AMP-activated non-catalytic subunit gamma 2; minus strand). Cytogenetic location: 7q36.1.
Variant type: single nucleotide variant.
Coding change: c.868A>G on transcript NM_016203.4 (MANE Select); coding-DNA position 868, A replaced by G.
Protein change: p.Lys290Glu; replaces lysine 290 with glutamic acid.
Molecular consequence: missense variant.
Genome position (GRCh38, 1-based): chr7:151,576,449, T>C on the plus strand (A>G on the coding strand, the complement: PRKAG2 is on the minus strand). VCF-style: chr7-151576449-T-C. GRCh37 (hg19) VCF-style: chr7-151273535-T-C.
Other names: c.736A>G, p.Lys246Glu (NM_001040633.2); c.493A>G, p.Lys165Glu (NM_001304527.2); c.145A>G, p.Lys49Glu (NM_001304531.2, NM_024429.2); c.496A>G, p.Lys166Glu (NM_001363698.2); short protein forms K290E, K166E, K165E, K246E, K49E.
Identifiers: ClinVar variation 222769 (VCV000222769.2), dbSNP rs869025499, ClinGen allele CA352130.
Genomic context (GRCh38, chr7:151,576,449, plus strand): 5'-TACTCTCCCACAGTGGCGCTGCTCGGACACCGTTGGCTACCAAAGCAAAGAAGGCCTTTT[T>C]AACCTGAAGAAAAAGAGGAGAAACAAAACATACTTTCAAAGTCCAGGAAGAAAAATACCT-3'
Protein context (NP_057287.2, residues 280-300): LVVFDTTLQV[Lys290Glu]KAFFALVANG

ClinVar aggregate classification (germline): Likely pathogenic. Review status: criteria provided, single submitter (1 of 4 stars). 2 submissions from 2 submitters: Likely pathogenic (1). 1 of the submissions does not count toward it. Last evaluated 2026-04-08.

Conditions:
PRKAG2-related disorder. Also called: PRKAG2-related condition; PRKAG2-related disorders.

Allele frequency attached by ClinVar (database versions not stated): gnomAD exomes below 0.00001.
gnomAD v4.1: 1 of 1,595,044 alleles (0.000063%); highest among the groups gnomAD compares: Non-Finnish European, 0.000086%; no homozygotes.

Submissions (2):

PreventionGenetics, part of Exact Sciences
Classification: Likely pathogenic for PRKAG2-related condition. Last evaluated: 2026-04-08. Review status: criteria provided, single submitter. Criteria: ACMG Guidelines, 2015. Collection method: clinical testing. Allele origin: germline.
Comment: The PRKAG2 c.868A>G variant is predicted to result in the amino acid substitution p.Lys290Glu. This variant has been reported in multiple individuals with PRKAG2-related phenotypes and found to segregate with disease (Table S2, Lopez-Sainz et al. 2020. PubMed ID: 32646569; Table S9, Stava et al. 2022. PubMed ID: 35653365). This variant has not been reported in a large population database (gnomAD), indicating this variant is rare. An alternate missense change at the same amino acid position (p.Lys290Ile) has been reported in individuals with PRKAG2-related phenotypes (van der Steld et al. 2017. PubMed ID: 28690312). Taken together, the c.868A>G (p.Lys290Glu) variant is interpreted as likely pathogenic.

Clinical Molecular Genetics Laboratory, Johns Hopkins All Children's Hospital
Classification: Uncertain significance. Last evaluated: 2016-05-05. Review status: no assertion criteria provided. Collection method: clinical testing. Allele origin: germline. Not counted in ClinVar's aggregate classification.